The following is an entry in ClinVar:

ClinVar aggregate classification (germline): Pathogenic (1 of 4 stars; one submission).

Conditions:
Ataxia-telangiectasia syndrome (AT). Also called: AT, COMPLEMENTATION GROUP C; Ataxia telangiectasia (A-T); Ataxia-telangiectasia, complementation group D; Ataxia-telangiectasia, complementation group E; LOUIS-BAR SYNDROME; ATAXIA-TELANGIECTASIA, COMPLEMENTATION GROUP A. Identifiers: Orphanet 100, MedGen C0004135, MONDO:0008840, OMIM 208900.

Submission:

Labcorp Genetics (formerly Invitae), Labcorp
Classification: Pathogenic for Ataxia-telangiectasia syndrome. Last evaluated: 2023-06-23. Review status: criteria provided, single submitter. Criteria: Invitae Variant Classification Sherloc (09022015). Collection method: clinical testing. Allele origin: germline.
Comment: This variant is not present in population databases (gnomAD no frequency). This variant has not been reported in the literature in individuals affected with ATM-related conditions. For these reasons, this variant has been classified as Pathogenic. This sequence change creates a premature translational stop signal (p.Glu1072Lysfs*37) in the ATM gene. It is expected to result in an absent or disrupted protein product. Loss-of-function variants in ATM are known to be pathogenic (PMID: 23807571, 25614872).

Literature cited by the submitters: PubMed 23807571; PubMed 25614872.

NM_000051.4(ATM):c.3214del (p.Glu1072fs)

Gene: ATM (ATM serine/threonine kinase; plus strand). Cytogenetic location: 11q22.3.
Variant type: Deletion.
Coding change: c.3214del on transcript NM_000051.4 (MANE Select); coding-DNA position 3214, one base deleted (G; older notation c.3214delG).
Protein change: p.Glu1072fs; shifts the reading frame from glutamic acid 1072.
Molecular consequence: frameshift variant.
Genome position (GRCh38, 1-based): chr11:108,272,782, G deleted. VCF-style (leftmost placement, unchanged base first): chr11-108272781-TG-T. GRCh37 (hg19) VCF-style: chr11-108143508-TG-T.
Other names: c.3214del, p.Glu1072fs (NM_001351834.2); short protein forms E1072fs.
Identifiers: ClinVar variation 2725006 (VCV002725006.3), dbSNP rs2497723005, ClinGen allele CA2697558831.
Genomic context (GRCh38, chr11:108,272,781, plus strand): 5'-GGCTGATCCTTATTCAAAATGGGCCATTCTTAATGTAATGGGAAAAGACTTTCCTGTAAA[TG>T]AAGTATTTACACAATTTCTTGCTGACAATCATCACCAAGTTCGCATGTTGGCTGCAGAGT-3'